The following is an entry in ClinVar:

NM_003070.5(SMARCA2):c.3265C>T (p.Arg1089Trp)

Gene: SMARCA2 (SWI/SNF related BAF chromatin remodeling complex subunit ATPase 2; plus strand). Cytogenetic location: 9p24.3.
Variant type: single nucleotide variant.
Coding change: c.3265C>T on transcript NM_003070.5 (MANE Select); coding-DNA position 3265, C replaced by T.
Protein change: p.Arg1089Trp; replaces arginine 1089 with tryptophan.
Molecular consequence: missense variant.
Genome position (GRCh38, 1-based): chr9:2,104,142, C>T. VCF-style: chr9-2104142-C-T. GRCh37 (hg19) VCF-style: chr9-2104142-C-T.
Other names: c.3265C>T, p.Arg1089Trp (NM_001289396.2, NM_139045.4); c.3091C>T, p.Arg1031Trp (NM_001289397.2); short protein forms R1031W, R1089W.
Identifiers: ClinVar variation 1307583 (VCV001307583.4), dbSNP rs766894963, ClinGen allele CA4963721.

ClinVar aggregate classification (germline): Uncertain significance (1 of 4 stars; one submission).

Allele frequency attached by ClinVar (database versions not stated): gnomAD exomes below 0.00001; ExAC 0.00001.
gnomAD v4.1: 6 of 1,613,966 alleles (0.00037%); highest among the groups gnomAD compares: Non-Finnish European, 0.00051%; no homozygotes.

Submission:

GeneDx
Classification: Uncertain significance. Last evaluated: 2025-06-20. Review status: criteria provided, single submitter. Criteria: GeneDx Variant Classification Process June 2021. Collection method: clinical testing. Allele origin: germline. Affected: yes.
Comment: In silico analysis supports that this missense variant has a deleterious effect on protein structure/function; Has not been previously published as pathogenic or benign in association with a SMARCA2-related neurodevelopmental disorder to our knowledge; This variant is associated with the following publications: (PMID: 36969007)